The following is an entry in ClinVar:

ClinVar aggregate classification (germline): Uncertain significance. Review status: criteria provided, multiple submitters, no conflicts (2 of 4 stars). 2 submissions from 2 submitters: Uncertain significance (2). Last evaluated 2026-06-03.

Conditions:
Immunodeficiency 14 (IMD14A). Also called: IMMUNODEFICIENCY 14A WITH LYMPHOPROLIFERATION, AUTOSOMAL DOMINANT; p110-DELTA-ACTIVATING MUTATION CAUSING SENESCENT T CELLS, LYMPHADENOPATHY, AND IMMUNODEFICIENCY; ACTIVATED PI3K-DELTA SYNDROME 1; Activated PI3K Delta Syndrome Type 1 (APDS1). Identifiers: Orphanet 397596, Orphanet 693661, MedGen C5907821, MONDO:0014222, OMIM 615513.
Inborn genetic diseases. Identifiers: MedGen C0950123, MeSH D030342.

gnomAD v4.1: 21 of 1,613,490 alleles (0.0013%); highest among the groups gnomAD compares: Non-Finnish European, 0.0018%; no homozygotes.

Submissions (2):

Ambry Genetics
Classification: Uncertain significance for Inborn genetic diseases. Last evaluated: 2026-06-03. Review status: criteria provided, single submitter. Criteria: Ambry Variant Classification Scheme 2023. Collection method: clinical testing. Allele origin: germline.

Labcorp Genetics (formerly Invitae), Labcorp
Classification: Uncertain significance for Activated PI3K-delta syndrome. Last evaluated: 2025-02-26. Review status: criteria provided, single submitter. Criteria: Invitae Variant Classification Sherloc (09022015). Collection method: clinical testing. Allele origin: germline.
Comment: This sequence change replaces proline, which is neutral and non-polar, with leucine, which is neutral and non-polar, at codon 812 of the PIK3CD protein (p.Pro812Leu). This variant is not present in population databases (gnomAD no frequency). This variant has not been reported in the literature in individuals affected with PIK3CD-related conditions. Invitae Evidence Modeling of protein sequence and biophysical properties (such as structural, functional, and spatial information, amino acid conservation, physicochemical variation, residue mobility, and thermodynamic stability) indicates that this missense variant is not expected to disrupt PIK3CD protein function with a negative predictive value of 80%. In summary, the available evidence is currently insufficient to determine the role of this variant in disease. Therefore, it has been classified as a Variant of Uncertain Significance.

NM_005026.5(PIK3CD):c.2435C>T (p.Pro812Leu)

Gene: PIK3CD (phosphatidylinositol-4,5-bisphosphate 3-kinase catalytic subunit delta; plus strand). Cytogenetic location: 1p36.22.
Variant type: single nucleotide variant.
Coding change: c.2435C>T on transcript NM_005026.5 (MANE Select); coding-DNA position 2435, C replaced by T.
Protein change: p.Pro812Leu; replaces proline 812 with leucine.
Molecular consequence: missense variant.
Genome position (GRCh38, 1-based): chr1:9,723,133, C>T. VCF-style: chr1-9723133-C-T. GRCh37 (hg19) VCF-style: chr1-9783191-C-T.
Other names: c.2432C>T, p.Pro811Leu (NM_001350234.2); c.2348C>T, p.Pro783Leu (NM_001350235.1); short protein forms P811L, P783L, P812L.
Identifiers: ClinVar variation 3667615 (VCV003667615.3).